The following is an entry in ClinVar:

NM_000031.6(ALAD):c.50G>A (p.Arg17Gln)

Gene: ALAD (aminolevulinate dehydratase; minus strand). Cytogenetic location: 9q32.
Variant type: single nucleotide variant.
Coding change: c.50G>A on transcript NM_000031.6 (MANE Select); coding-DNA position 50, G replaced by A.
Protein change: p.Arg17Gln; replaces arginine 17 with glutamine.
Molecular consequence: missense variant. On other transcripts: 5 prime UTR variant (1).
Genome position (GRCh38, 1-based): chr9:113,393,510, C>T on the plus strand (G>A on the coding strand, the complement: ALAD is on the minus strand). VCF-style: chr9-113393510-C-T. GRCh37 (hg19) VCF-style: chr9-116155790-C-T.
Other names: c.-30G>A (NM_001003945.3); c.77G>A, p.Arg26Gln (NM_001317745.2); c.50G>A (NM_000031.5); short protein forms R17Q, R26Q.
Identifiers: ClinVar variation 1045779 (VCV001045779.8), dbSNP rs144531057, ClinGen allele CA5196666.

ClinVar aggregate classification (germline): Uncertain significance. Review status: criteria provided, multiple submitters, no conflicts (2 of 4 stars). 2 submissions from 2 submitters: Uncertain significance (2). Last evaluated 2024-12-02.

Conditions:
Inborn genetic diseases. Identifiers: MedGen C0950123, MeSH D030342.

Allele frequency attached by ClinVar (database versions not stated): ESP Exome Variant Server 0.00008; gnomAD exomes 0.00004; ExAC 0.00003; gnomAD 0.00003; TOPMed 0.00007.
gnomAD v4.1: 42 of 1,613,870 alleles (0.0026%); highest among the groups gnomAD compares: Admixed American, 0.02%; no homozygotes.

Submissions (2):

Labcorp Genetics (formerly Invitae), Labcorp
Classification: Uncertain significance. Last evaluated: 2024-12-02. Review status: criteria provided, single submitter. Criteria: Invitae Variant Classification Sherloc (09022015). Collection method: clinical testing. Allele origin: germline.
Comment: This sequence change replaces arginine, which is basic and polar, with glutamine, which is neutral and polar, at codon 17 of the ALAD protein (p.Arg17Gln). This variant is present in population databases (rs144531057, gnomAD 0.02%). This variant has not been reported in the literature in individuals affected with ALAD-related conditions. ClinVar contains an entry for this variant (Variation ID: 1045779). Invitae Evidence Modeling of protein sequence and biophysical properties (such as structural, functional, and spatial information, amino acid conservation, physicochemical variation, residue mobility, and thermodynamic stability) indicates that this missense variant is not expected to disrupt ALAD protein function with a negative predictive value of 80%. In summary, the available evidence is currently insufficient to determine the role of this variant in disease. Therefore, it has been classified as a Variant of Uncertain Significance.

Ambry Genetics
Classification: Uncertain significance for Inborn genetic diseases. Last evaluated: 2022-06-03. Review status: criteria provided, single submitter. Criteria: Ambry Variant Classification Scheme 2023. Collection method: clinical testing. Allele origin: germline.